The following is an entry in ClinVar:

NM_005422.4(TECTA):c.4919C>T (p.Pro1640Leu)

Genes: TBCEL-TECTA (TBCEL-TECTA readthrough; plus strand), TECTA (tectorin alpha; plus strand). Cytogenetic location: 11q23.3.
Variant type: single nucleotide variant.
Coding change: c.4919C>T on transcript NM_005422.4 (MANE Select); coding-DNA position 4919, C replaced by T.
Protein change: p.Pro1640Leu; replaces proline 1640 with leucine.
Molecular consequence: missense variant.
Genome position (GRCh38, 1-based): chr11:121,160,364, C>T. VCF-style: chr11-121160364-C-T. GRCh37 (hg19) VCF-style: chr11-121031073-C-T.
Other names: c.5876C>T, p.Pro1959Leu (NM_001378761.1); short protein forms P1640L, P1959L.
Identifiers: ClinVar variation 1702759 (VCV001702759.5), dbSNP rs143546623, ClinGen allele CA6327596.

ClinVar aggregate classification (germline): Uncertain significance. Review status: criteria provided, multiple submitters, no conflicts (2 of 4 stars). 2 submissions from 2 submitters: Uncertain significance (2). Last evaluated 2022-12-21.

Conditions:
Inborn genetic diseases. Identifiers: MedGen C0950123, MeSH D030342.

Allele frequency attached by ClinVar (database versions not stated): TOPMed 0.00003; gnomAD exomes 0.00003; ExAC 0.00006; gnomAD 0.00003; ESP Exome Variant Server 0.00008; 1000 Genomes Project 30x 0.00016; 1000 Genomes Project 0.00020.
gnomAD v4.1: 41 of 1,613,698 alleles (0.0025%); highest among the groups gnomAD compares: East Asian, 0.0045%; no homozygotes.

Submissions (2):

Ambry Genetics
Classification: Uncertain significance for Inborn genetic diseases. Last evaluated: 2022-12-21. Review status: criteria provided, single submitter. Criteria: Ambry Variant Classification Scheme 2023. Collection method: clinical testing. Allele origin: germline.

GeneDx
Classification: Uncertain significance. Last evaluated: 2022-02-16. Review status: criteria provided, single submitter. Criteria: GeneDx Variant Classification Process June 2021. Collection method: clinical testing. Allele origin: germline. Affected: yes.
Comment: In silico analysis supports that this missense variant does not alter protein structure/function; Has not been previously published as pathogenic or benign to our knowledge